The following is an entry in ClinVar:

NM_005502.4(ABCA1):c.2082T>C (p.Leu694=)

Gene: ABCA1 (ATP binding cassette subfamily A member 1; minus strand). Cytogenetic location: 9q31.1.
Variant type: single nucleotide variant.
Coding change: c.2082T>C on transcript NM_005502.4 (MANE Select); coding-DNA position 2082, T replaced by C.
Protein change: p.Leu694=; no amino-acid change (leucine 694 retained).
Molecular consequence: synonymous variant.
Genome position (GRCh38, 1-based): chr9:104,828,949, A>G on the plus strand (T>C on the coding strand, the complement: ABCA1 is on the minus strand). VCF-style: chr9-104828949-A-G. GRCh37 (hg19) VCF-style: chr9-107591230-A-G.
Identifiers: ClinVar variation 1301357 (VCV001301357.4), dbSNP rs1296884530, ClinGen allele CA466510105.

ClinVar aggregate classification (germline): Likely benign. Review status: criteria provided, multiple submitters, no conflicts (2 of 4 stars). 3 submissions from 3 submitters: Likely benign (3). Last evaluated 2025-10-27.

Conditions:
Cardiovascular phenotype. Identifiers: MedGen CN230736.

Allele frequency attached by ClinVar (database versions not stated): TOPMed below 0.00001; gnomAD 0.00001; gnomAD exomes 0.00001.
gnomAD v4.1: 10 of 1,614,042 alleles (0.00062%); highest among the groups gnomAD compares: African/African-American, 0.0013%; no homozygotes.

Submissions (3):

Labcorp Genetics (formerly Invitae), Labcorp
Classification: Likely benign. Last evaluated: 2025-10-27. Review status: criteria provided, single submitter. Criteria: Invitae Variant Classification Sherloc (09022015). Collection method: clinical testing. Allele origin: germline.

Women's Health and Genetics/Laboratory Corporation of America, LabCorp
Classification: Likely benign. Last evaluated: 2021-09-23. Review status: criteria provided, single submitter. Criteria: LabCorp Variant Classification Summary - May 2015. Collection method: clinical testing. Allele origin: germline.
Comment: Variant summary: ABCA1 c.2082T>C alters a conserved nucleotide resulting in a synonymous change. 4/4 computational tools predict no significant impact on normal splicing. However, these predictions have yet to be confirmed by functional studies. The variant allele was found at a frequency of 1.2e-05 in 251404 control chromosomes (gnomAD). The available data on variant occurrences in the general population are insufficient to allow any conclusion about variant significance. To our knowledge, no occurrence of c.2082T>C in individuals affected with Early Onset Coronary Artery Disease and no experimental evidence demonstrating its impact on protein function have been reported. No clinical diagnostic laboratories have submitted clinical-significance assessments for this variant to ClinVar after 2014. Based on the evidence outlined above, the variant was classified as likely benign.

Ambry Genetics
Classification: Likely benign for Cardiovascular phenotype. Last evaluated: 2020-01-06. Review status: criteria provided, single submitter. Criteria: Ambry Variant Classification Scheme 2023. Collection method: clinical testing. Allele origin: germline.